The following is an entry in ClinVar:

NM_001283009.2(RTEL1):c.396-27T>C

Genes: RTEL1 (regulator of telomere elongation helicase 1; plus strand), RTEL1-TNFRSF6B (RTEL1-TNFRSF6B readthrough (NMD candidate); plus strand). Cytogenetic location: 20q13.33.
Variant type: single nucleotide variant.
Coding change: c.396-27T>C on transcript NM_001283009.2 (MANE Select); 27 bases into the intron before coding-DNA position 396, T replaced by C.
Molecular consequence: intron variant. On other transcripts: synonymous variant (1).
Genome position (GRCh38, 1-based): chr20:63,662,519, T>C. VCF-style: chr20-63662519-T-C. GRCh37 (hg19) VCF-style: chr20-62293872-T-C.
Other names: c.441T>C, p.Pro147= (NM_032957.5); c.-274-27T>C (NM_001283010.1); c.396-27T>C (NM_016434.4).
Identifiers: ClinVar variation 794848 (VCV000794848.18), dbSNP rs774523585, ClinGen allele CA9964242.
Genomic context (GRCh38, chr20:63,662,519, plus strand): 5'-CGTGTCTCCATACAGCTCACGCTGCAGGGCCACGCTGTGGGTGTTGGAGACAGCTCCTCC[T>C]CGACCCACGGTGCTCTCTCCCACCAGGCCTAAGGTGTGTGTGCTGGGCTCCCGGGAGCAG-3'

ClinVar aggregate classification (germline): Conflicting classifications of pathogenicity. Review status: criteria provided, conflicting classifications (1 of 4 stars). 4 submissions from 4 submitters: Uncertain significance (1); Likely benign (1). 2 of the submissions do not count toward it. Last evaluated 2020-12-03.

Conditions:
RTEL1-related disorder. Also called: RTEL1-related condition; RTEL1-related disorders.
Dyskeratosis congenita, autosomal recessive 5 (DKCB5). Identifiers: MedGen C3554656, MONDO:0014076, OMIM 615190.
Pulmonary fibrosis and/or bone marrow failure, Telomere-related, 3. Also called: PULMONARY FIBROSIS AND/OR BONE MARROW FAILURE SYNDROME, TELOMERE-RELATED, 3. Identifiers: Orphanet 2032, MedGen C4225346, MONDO:0014613, OMIM 616373.
Dyskeratosis congenita. Identifiers: Orphanet 1775, MedGen C0265965, MONDO:0015780.

Allele frequency attached by ClinVar (database versions not stated): gnomAD exomes 0.00002 and 0.00007; TOPMed 0.00002; gnomAD 0.00003; ExAC 0.00006.
gnomAD v4.1: 106 of 1,613,076 alleles (0.0066%); highest among the groups gnomAD compares: Non-Finnish European, 0.0085%; no homozygotes.

Submissions (4):

Mayo Clinic Laboratories, Mayo Clinic
Classification: Uncertain significance. Last evaluated: 2020-12-03. Review status: criteria provided, single submitter. Criteria: ACMG Guidelines, 2015. Collection method: clinical testing. Allele origin: germline. Observed: 1 variant allele.

Labcorp Genetics (formerly Invitae), Labcorp
Classification: Likely benign for Dyskeratosis congenita, autosomal recessive 5; Pulmonary fibrosis and/or bone marrow failure, Telomere-related, 3. Last evaluated: 2018-11-08. Review status: criteria provided, single submitter. Criteria: Invitae Variant Classification Sherloc (09022015). Collection method: clinical testing. Allele origin: germline.

Natera, Inc.
Classification: Likely benign for Dyskeratosis congenita. Last evaluated: 2021-01-13. Review status: no assertion criteria provided. Collection method: clinical testing. Allele origin: germline. Not counted in ClinVar's aggregate classification.

PreventionGenetics, part of Exact Sciences
Classification: Likely benign for RTEL1-related condition. Last evaluated: 2019-06-04. Review status: no assertion criteria provided. Collection method: clinical testing. Allele origin: germline. Not counted in ClinVar's aggregate classification.
Comment: This variant is classified as likely benign based on ACMG/AMP sequence variant interpretation guidelines (Richards et al. 2015 PMID: 25741868, with internal and published modifications).